The following is an entry in ClinVar:

NM_001482.3(GATM):c.1166C>T (p.Thr389Ile)

Gene: GATM (glycine amidinotransferase; minus strand). Cytogenetic location: 15q21.1.
Variant type: single nucleotide variant.
Coding change: c.1166C>T on transcript NM_001482.3 (MANE Select); coding-DNA position 1166, C replaced by T.
Protein change: p.Thr389Ile; replaces threonine 389 with isoleucine.
Molecular consequence: missense variant.
Genome position (GRCh38, 1-based): chr15:45,362,215, G>A on the plus strand (C>T on the coding strand, the complement: GATM is on the minus strand). VCF-style: chr15-45362215-G-A. GRCh37 (hg19) VCF-style: chr15-45654413-G-A.
Other names: c.779C>T, p.Thr260Ile (NM_001321015.2); c.1166C>T (NM_001482.2); short protein forms T389I, T260I.
Identifiers: ClinVar variation 1430517 (VCV001430517.7), dbSNP rs1450827920, ClinGen allele CA392255052.
Genomic context (GRCh38, chr15:45,362,215, plus strand): 5'-GTCCAGCAATGGAAGCCTCCTCCCAGGGAATTGGCATTACGAATGTTAACTTTAATGGTA[G>A]TGATACCTGCATTGAAAGAGAGATGAGGTCAGTTAGATGGACTAACATGACGATTCTCAT-3'
Protein context (NP_001473.1, residues 379-399): IQKMFEKLGI[Thr389Ile]TIKVNIRNAN

ClinVar aggregate classification (germline): Uncertain significance. Review status: criteria provided, multiple submitters, no conflicts (2 of 4 stars). 2 submissions from 2 submitters: Uncertain significance (2). Last evaluated 2025-10-18.

Conditions:
Arginine:glycine amidinotransferase deficiency (CCDS3). Also called: AGAT deficiency; L-Arginine:Glycine Amidinotransferase Deficiency; Creatine deficiency syndrome due to AGAT deficiency; GATM deficiency; L-Arginine:Glycine Amidinotransferase (AGAT) Deficiency; Cerebral creatine deficiency syndrome 3. Identifiers: Orphanet 35704, MedGen C2675179, MONDO:0012996, OMIM 612718.
Inborn genetic diseases. Identifiers: MedGen C0950123, MeSH D030342.

Allele frequency attached by ClinVar (database versions not stated): gnomAD 0.00001; gnomAD exomes below 0.00001.
gnomAD v4.1: 2 of 1,589,524 alleles (0.00013%); highest among the groups gnomAD compares: Admixed American, 0.0033%; no homozygotes.

Submissions (2):

Ambry Genetics
Classification: Uncertain significance for Inborn genetic diseases. Last evaluated: 2025-10-18. Review status: criteria provided, single submitter. Criteria: Ambry Variant Classification Scheme 2023. Collection method: clinical testing. Allele origin: germline.

Labcorp Genetics (formerly Invitae), Labcorp
Classification: Uncertain significance for Arginine:glycine amidinotransferase deficiency. Last evaluated: 2024-08-23. Review status: criteria provided, single submitter. Criteria: Invitae Variant Classification Sherloc (09022015). Collection method: clinical testing. Allele origin: germline.
Comment: This sequence change replaces threonine, which is neutral and polar, with isoleucine, which is neutral and non-polar, at codon 389 of the GATM protein (p.Thr389Ile). This variant is present in population databases (no rsID available, gnomAD 0.006%). This variant has not been reported in the literature in individuals affected with GATM-related conditions. ClinVar contains an entry for this variant (Variation ID: 1430517). Invitae Evidence Modeling of protein sequence and biophysical properties (such as structural, functional, and spatial information, amino acid conservation, physicochemical variation, residue mobility, and thermodynamic stability) indicates that this missense variant is not expected to disrupt GATM protein function with a negative predictive value of 80%. In summary, the available evidence is currently insufficient to determine the role of this variant in disease. Therefore, it has been classified as a Variant of Uncertain Significance.